The following is an entry in ClinVar:

ClinVar aggregate classification (germline): Uncertain significance. Review status: criteria provided, multiple submitters, no conflicts (2 of 4 stars). 2 submissions from 2 submitters: Uncertain significance (2). Last evaluated 2026-08-22.

Conditions:
Inborn genetic diseases. Identifiers: MedGen C0950123, MeSH D030342.

Submissions (2):

Ambry Genetics
Classification: Uncertain significance for Inborn genetic diseases. Last evaluated: 2026-08-22. Review status: criteria provided, single submitter. Criteria: Ambry Variant Classification Scheme 2023. Collection method: clinical testing. Allele origin: germline.
Comment: The p.T509I variant (also known as c.1526C>T), located in coding exon 6 of the MBD4 gene, results from a C to T substitution at nucleotide position 1526. The threonine at codon 509 is replaced by isoleucine, an amino acid with similar properties. This amino acid position is conserved. In addition, the in silico prediction for this alteration is inconclusive. Based on the available evidence, the clinical significance of this variant remains unclear.

Labcorp Genetics (formerly Invitae), Labcorp
Classification: Uncertain significance. Last evaluated: 2023-02-17. Review status: criteria provided, single submitter. Criteria: Invitae Variant Classification Sherloc (09022015). Collection method: clinical testing. Allele origin: germline.
Comment: This sequence change replaces threonine, which is neutral and polar, with isoleucine, which is neutral and non-polar, at codon 515 of the MBD4 protein (p.Thr515Ile). This variant is not present in population databases (gnomAD no frequency). This variant has not been reported in the literature in individuals affected with MBD4-related conditions. An algorithm developed to predict the effect of missense changes on protein structure and function (PolyPhen-2) suggests that this variant is likely to be disruptive. In summary, the available evidence is currently insufficient to determine the role of this variant in disease. Therefore, it has been classified as a Variant of Uncertain Significance.

NM_001276270.2(MBD4):c.1526C>T (p.Thr509Ile)

Gene: MBD4 (methyl-CpG binding domain 4, DNA glycosylase; minus strand). Cytogenetic location: 3q21.3.
Variant type: single nucleotide variant.
Coding change: c.1526C>T on transcript NM_001276270.2 (MANE Select); coding-DNA position 1526, C replaced by T.
Protein change: p.Thr509Ile; replaces threonine 509 with isoleucine.
Molecular consequence: missense variant.
Genome position (GRCh38, 1-based): chr3:129,433,115, G>A on the plus strand (C>T on the coding strand, the complement: MBD4 is on the minus strand). VCF-style: chr3-129433115-G-A. GRCh37 (hg19) VCF-style: chr3-129151958-G-A.
Other names: c.1544C>T, p.Thr515Ile (NM_001276271.2, NM_001276272.2, NM_003925.3); c.590C>T, p.Thr197Ile (NM_001276273.2); short protein forms T515I, T509I, T197I.
Identifiers: ClinVar variation 2796124 (VCV002796124.4), dbSNP rs2530700294, ClinGen allele CA354465118.